The following is an entry in ClinVar:

NM_001166108.2(PALLD):c.1965-12945C>G

Gene: PALLD (palladin, cytoskeletal associated protein; plus strand). Cytogenetic location: 4q32.3.
Variant type: single nucleotide variant.
Coding change: c.1965-12945C>G on transcript NM_001166108.2 (MANE Select); 12945 bases into the intron before coding-DNA position 1965, C replaced by G.
Molecular consequence: intron variant. On other transcripts: missense variant (1).
Genome position (GRCh38, 1-based): chr4:168,877,977, C>G. VCF-style: chr4-168877977-C-G. GRCh37 (hg19) VCF-style: chr4-169799128-C-G.
Other names: c.86C>G, p.Ala29Gly (NM_001166110.2); c.1965-12945C>G (NM_016081.4); c.819-12945C>G (NM_001166109.2); c.-157-12945C>G (NM_001367570.1, NM_001367568.1, NM_001367567.1 and 1 more transcripts); short protein forms A29G.
Identifiers: ClinVar variation 3885352 (VCV003885352.1).

ClinVar aggregate classification (germline): Uncertain significance (1 of 4 stars; one submission).

gnomAD v4.1: 4 of 1,502,022 alleles (0.00027%); highest among the groups gnomAD compares: Non-Finnish European, 0.00035%; no homozygotes.

Submission:

Ambry Genetics
Classification: Uncertain significance. Last evaluated: 2025-02-21. Review status: criteria provided, single submitter. Criteria: Ambry Variant Classification Scheme 2023. Collection method: clinical testing. Allele origin: germline.
Comment: The p.A29G variant (also known as c.86C>G), located in coding exon 1 of the PALLD gene, results from a C to G substitution at nucleotide position 86. The alanine at codon 29 is replaced by glycine, an amino acid with similar properties. This amino acid position is conserved. In addition, this alteration is predicted to be tolerated by in silico analysis. Based on the available evidence, the clinical significance of this variant remains unclear.